The following is an entry in ClinVar:

NM_000069.3(CACNA1S):c.2305A>G (p.Lys769Glu)

Gene: CACNA1S (calcium voltage-gated channel subunit alpha1 S; minus strand). Cytogenetic location: 1q32.1.
Variant type: single nucleotide variant.
Coding change: c.2305A>G on transcript NM_000069.3 (MANE Select); coding-DNA position 2305, A replaced by G.
Protein change: p.Lys769Glu; replaces lysine 769 with glutamic acid.
Molecular consequence: missense variant.
Genome position (GRCh38, 1-based): chr1:201,070,327, T>C on the plus strand (A>G on the coding strand, the complement: CACNA1S is on the minus strand). VCF-style: chr1-201070327-T-C. GRCh37 (hg19) VCF-style: chr1-201039455-T-C.
Other names: short protein forms K769E.
Identifiers: ClinVar variation 3069648 (VCV003069648.1), dbSNP rs2464539433, ClinGen allele CA344108970.

ClinVar aggregate classification (germline): Uncertain significance (1 of 4 stars; one submission).

Conditions:
Malignant hyperthermia, susceptibility to, 5 (MHS5). Also called: CACNA1S-Related Malignant Hyperthermia Susceptibility. Identifiers: Orphanet 423, MedGen C1866077, MONDO:0011163, OMIM 601887.

Submission:

All of Us Research Program, National Institutes of Health
Classification: Uncertain significance for Malignant hyperthermia, susceptibility to, 5. Last evaluated: 2023-02-24. Review status: criteria provided, single submitter. Criteria: ACMG Guidelines, 2015. Collection method: clinical testing. Allele origin: germline. Inheritance: Autosomal dominant inheritance. Observed: 1 variant allele, 1 heterozygote.
Comment: This study involves interpretation of variants in research participants for the purpose of population health screening. Participant phenotype was not available at the time of variant classification. Additional details can be found in publication PMID: 35346344, PMCID: PMC8962531